The following is an entry in ClinVar:

NM_024570.4(RNASEH2B):c.244+6T>C

Gene: RNASEH2B (ribonuclease H2 subunit B; plus strand). Cytogenetic location: 13q14.3.
Variant type: single nucleotide variant.
Coding change: c.244+6T>C on transcript NM_024570.4 (MANE Select); 6 bases into the intron after coding-DNA position 244, T replaced by C.
Molecular consequence: intron variant.
Genome position (GRCh38, 1-based): chr13:50,929,588, T>C. VCF-style: chr13-50929588-T-C. GRCh37 (hg19) VCF-style: chr13-51503724-T-C.
Other names: c.244+6T>C (NM_001142279.2).
Identifiers: ClinVar variation 2091790 (VCV002091790.3), dbSNP rs2541495885, ClinGen allele CA2575418131.

ClinVar aggregate classification (germline): Uncertain significance (1 of 4 stars; one submission).

Conditions:
Aicardi-Goutieres syndrome 2. Identifiers: Orphanet 51, MedGen C3489724, MONDO:0012429, OMIM 610181.

Submission:

Labcorp Genetics (formerly Invitae), Labcorp
Classification: Uncertain significance for Aicardi-Goutieres syndrome 2. Last evaluated: 2022-03-11. Review status: criteria provided, single submitter. Criteria: Invitae Variant Classification Sherloc (09022015). Collection method: clinical testing. Allele origin: germline.
Comment: This sequence change falls in intron 3 of the RNASEH2B gene. It does not directly change the encoded amino acid sequence of the RNASEH2B protein. It affects a nucleotide within the consensus splice site. This variant is not present in population databases (gnomAD no frequency). This variant has not been reported in the literature in individuals affected with RNASEH2B-related conditions. Variants that disrupt the consensus splice site are a relatively common cause of aberrant splicing (PMID: 17576681, 9536098). Algorithms developed to predict the effect of sequence changes on RNA splicing suggest that this variant may disrupt the consensus splice site. In summary, the available evidence is currently insufficient to determine the role of this variant in disease. Therefore, it has been classified as a Variant of Uncertain Significance.

Literature cited by the submitters: PubMed 17576681; PubMed 9536098.